The following is an entry in ClinVar:

ClinVar aggregate classification (germline): Uncertain significance. Review status: criteria provided, multiple submitters, no conflicts (2 of 4 stars). 2 submissions from 2 submitters: Uncertain significance (2). Last evaluated 2024-04-04.

Allele frequency attached by ClinVar (database versions not stated): ESP Exome Variant Server 0.00010.

Submissions (2):

Women's Health and Genetics/Laboratory Corporation of America, LabCorp
Classification: Uncertain significance. Last evaluated: 2024-04-04. Review status: criteria provided, single submitter. Criteria: LabCorp Variant Classification Summary - May 2015. Collection method: clinical testing. Allele origin: germline.
Comment: Variant summary: AMER1 c.3130A>T (p.Met1044Leu) results in a conservative amino acid change in the encoded protein sequence. Five of five in-silico tools predict a benign effect of the variant on protein function. The variant was absent in 173006 control chromosomes (gnomAD). The available data on variant occurrences in the general population are insufficient to allow any conclusion about variant significance. To our knowledge, no occurrence of c.3130A>T in individuals affected with Osteopathia Striata With Cranial Sclerosis and no experimental evidence demonstrating its impact on protein function have been reported. ClinVar contains an entry for this variant (Variation ID: 1908991). Based on the evidence outlined above, the variant was classified as uncertain significance.

Labcorp Genetics (formerly Invitae), Labcorp
Classification: Uncertain significance. Last evaluated: 2022-02-24. Review status: criteria provided, single submitter. Criteria: Invitae Variant Classification Sherloc (09022015). Collection method: clinical testing. Allele origin: germline.
Comment: Algorithms developed to predict the effect of missense changes on protein structure and function (SIFT, PolyPhen-2, Align-GVGD) all suggest that this variant is likely to be tolerated. This variant has not been reported in the literature in individuals affected with AMER1-related conditions. This variant is present in population databases (rs369116388, gnomAD 0.02%), including at least one homozygous and/or hemizygous individual. This sequence change replaces methionine, which is neutral and non-polar, with leucine, which is neutral and non-polar, at codon 1044 of the AMER1 protein (p.Met1044Leu). In summary, the available evidence is currently insufficient to determine the role of this variant in disease. Therefore, it has been classified as a Variant of Uncertain Significance.

NM_152424.4(AMER1):c.3130A>T (p.Met1044Leu)

Gene: AMER1 (APC membrane recruitment protein 1; minus strand). Cytogenetic location: Xq11.2.
Variant type: single nucleotide variant.
Coding change: c.3130A>T on transcript NM_152424.4 (MANE Select); coding-DNA position 3130, A replaced by T.
Protein change: p.Met1044Leu; replaces methionine 1044 with leucine.
Molecular consequence: missense variant.
Genome position (GRCh38, 1-based): chrX:64,190,157, T>A on the plus strand (A>T on the coding strand, the complement: AMER1 is on the minus strand). VCF-style: chrX-64190157-T-A. GRCh37 (hg19) VCF-style: chrX-63410037-T-A.
Other names: short protein forms M1044L.
Identifiers: ClinVar variation 1908991 (VCV001908991.6), dbSNP rs369116388, ClinGen allele CA329954972.
Genomic context (GRCh38, chrX:64,190,157, plus strand): 5'-AACTGGAAGAGCAACTGGGCTCATCAACAGGCAGCAGCACATCTCGAGGCCTGGCCCTCA[T>A]GCTCTGGGAGGCCTGTGGCTGGAGGTTATAGCAAGGGCCCATGGGCAGGTGTAGGTGTGA-3'
Protein context (NP_689637.3, residues 1034-1054): YNLQPQASQS[Met1044Leu]RARPRDVLLP